The following is an entry in ClinVar:

NM_001384479.1(AGT):c.292G>A (p.Gly98Arg)

Gene: AGT (angiotensinogen; minus strand). Cytogenetic location: 1q42.2.
Variant type: single nucleotide variant.
Coding change: c.292G>A on transcript NM_001384479.1 (MANE Select); coding-DNA position 292, G replaced by A.
Protein change: p.Gly98Arg; replaces glycine 98 with arginine.
Molecular consequence: missense variant.
Genome position (GRCh38, 1-based): chr1:230,710,532, C>T on the plus strand (G>A on the coding strand, the complement: AGT is on the minus strand). VCF-style: chr1-230710532-C-T. GRCh37 (hg19) VCF-style: chr1-230846278-C-T.
Other names: c.292G>A, p.Gly98Arg (NM_001382817.3); short protein forms G98R.
Identifiers: ClinVar variation 3581227 (VCV003581227.2).

ClinVar aggregate classification (germline): Uncertain significance/VUS-high. Review status: criteria provided, multiple submitters, no conflicts (2 of 4 stars). 2 submissions from 2 submitters: Uncertain significance (1); VUS-high (1). Last evaluated 2026-04-29.

Conditions:
Renal tubular dysgenesis of genetic origin. Also called: PRIMITIVE RENAL TUBULE SYNDROME. Identifiers: Orphanet 97369, MedGen C5681536, MONDO:0009970, OMIM 267430.

Submissions (2):

Department of Precision Medicine, Korea National Institute of Health
Classification: VUS-high for Renal tubular dysgenesis of genetic origin. Last evaluated: 2026-04-29. Review status: criteria provided, single submitter. Criteria: ACMG Guidelines, 2015. Collection method: research. Allele origin: biparental. Affected: yes. Observed: 1 variant allele.
Comment: PP5 (LOVD classifies this variant as Pathogenic), PM2 (GnomAD homozygous allele count = 0 is less than 2 for AR gene AGT), BP4 (CADD = 19.4)

Fulgent Genetics
Classification: Uncertain significance for Renal tubular dysgenesis of genetic origin. Last evaluated: 2024-02-06. Review status: criteria provided, single submitter. Criteria: ACMG Guidelines, 2015. Collection method: clinical testing. Allele origin: germline.